The following is an entry in ClinVar:

NM_000051.4(ATM):c.4093C>T (p.Leu1365Phe)

Gene: ATM (ATM serine/threonine kinase; plus strand). Cytogenetic location: 11q22.3.
Variant type: single nucleotide variant.
Coding change: c.4093C>T on transcript NM_000051.4 (MANE Select); coding-DNA position 4093, C replaced by T.
Protein change: p.Leu1365Phe; replaces leucine 1365 with phenylalanine.
Molecular consequence: missense variant.
Genome position (GRCh38, 1-based): chr11:108,287,699, C>T. VCF-style: chr11-108287699-C-T. GRCh37 (hg19) VCF-style: chr11-108158426-C-T.
Other names: c.4093C>T (NM_000051.3); c.4093C>T, p.Leu1365Phe (NM_001351834.2); short protein forms L1365F.
Identifiers: ClinVar variation 1424637 (VCV001424637.7), dbSNP rs1423720712, ClinGen allele CA382528493.
Genomic context (GRCh38, chr11:108,287,699, plus strand): 5'-GTGGAGTTATTGATGACGTTACATGAGCCAGCAAATTCTAGTGCCAGTCAGAGCACTGAC[C>T]TCTGTGACTTTTCAGGGTATGTACATTTTAAACTTAGAGAACTAGCTCTAACTTCACAAG-3'
Protein context (NP_000042.3, residues 1355-1375): ANSSASQSTD[Leu1365Phe]CDFSGDLDPA

ClinVar aggregate classification (germline): Uncertain significance. Review status: criteria provided, multiple submitters, no conflicts (2 of 4 stars). 2 submissions from 2 submitters: Uncertain significance (2). Last evaluated 2024-10-11.

Conditions:
Hereditary cancer-predisposing syndrome. Also called: Hereditary neoplastic syndrome; Tumor predisposition; Hereditary Cancer Syndrome; Neoplastic Syndromes, Hereditary. Identifiers: Orphanet 140162, MedGen C0027672, MeSH D009386, MONDO:0015356.
Ataxia-telangiectasia syndrome (AT). Also called: Ataxia telangiectasia (A-T); LOUIS-BAR SYNDROME; Cerebello-oculocutaneous telangiectasia; Immunodeficiency with ataxia telangiectasia; AT, COMPLEMENTATION GROUP C; Ataxia-telangiectasia, complementation group D. Identifiers: Orphanet 100, MedGen C0004135, MONDO:0008840, OMIM 208900.

Submissions (2):

Ambry Genetics
Classification: Uncertain significance for Hereditary cancer-predisposing syndrome. Last evaluated: 2024-10-11. Review status: criteria provided, single submitter. Criteria: Ambry Variant Classification Scheme 2023. Collection method: clinical testing. Allele origin: germline.
Comment: The p.L1365F variant (also known as c.4093C>T), located in coding exon 26 of the ATM gene, results from a C to T substitution at nucleotide position 4093. The leucine at codon 1365 is replaced by phenylalanine, an amino acid with highly similar properties. This amino acid position is conserved. In addition, this alteration is predicted to be tolerated by in silico analysis. Based on the available evidence, the clinical significance of this variant remains unclear.

Labcorp Genetics (formerly Invitae), Labcorp
Classification: Uncertain significance for Ataxia-telangiectasia syndrome. Last evaluated: 2024-07-01. Review status: criteria provided, single submitter. Criteria: Invitae Variant Classification Sherloc (09022015). Collection method: clinical testing. Allele origin: germline.
Comment: This sequence change replaces leucine, which is neutral and non-polar, with phenylalanine, which is neutral and non-polar, at codon 1365 of the ATM protein (p.Leu1365Phe). This variant is not present in population databases (gnomAD no frequency). This variant has not been reported in the literature in individuals affected with ATM-related conditions. ClinVar contains an entry for this variant (Variation ID: 1424637). An algorithm developed to predict the effect of missense changes on protein structure and function (PolyPhen-2) suggests that this variant is likely to be tolerated. In summary, the available evidence is currently insufficient to determine the role of this variant in disease. Therefore, it has been classified as a Variant of Uncertain Significance.